The following is an entry in ClinVar:

ClinVar aggregate classification (germline): Pathogenic (1 of 4 stars; one submission).

Conditions:
Argininosuccinate lyase deficiency. Also called: Argininosuccinic aciduria; ARGININOSUCCINIC ACID LYASE DEFICIENCY; ASL DEFICIENCY. Identifiers: Orphanet 23, MedGen C0268547, MONDO:0008815, OMIM 207900, HP:0025630.

Allele frequency attached by ClinVar (database versions not stated): gnomAD exomes below 0.00001.

Submission:

Labcorp Genetics (formerly Invitae), Labcorp
Classification: Pathogenic for Argininosuccinate lyase deficiency. Last evaluated: 2023-10-16. Review status: criteria provided, single submitter. Criteria: Invitae Variant Classification Sherloc (09022015). Collection method: clinical testing. Allele origin: germline.
Comment: This sequence change creates a premature translational stop signal (p.Gln407*) in the ASL gene. While this is not anticipated to result in nonsense mediated decay, it is expected to disrupt the last 58 amino acid(s) of the ASL protein. This variant is not present in population databases (gnomAD no frequency). This variant has not been reported in the literature in individuals affected with ASL-related conditions. ClinVar contains an entry for this variant (Variation ID: 1420014). This variant disrupts a region of the ASL protein in which other variant(s) (p.Arg456Trp) have been determined to be pathogenic (PMID: 17326097, 19703900, 24166829, 26843370). This suggests that this is a clinically significant region of the protein, and that variants that disrupt it are likely to be disease-causing. For these reasons, this variant has been classified as Pathogenic.

Literature cited by the submitters: PubMed 17326097; PubMed 19703900; PubMed 24166829; PubMed 26843370.

NM_000048.4(ASL):c.1219C>T (p.Gln407Ter)

Gene: ASL (argininosuccinate lyase; plus strand). Cytogenetic location: 7q11.21.
Variant type: single nucleotide variant.
Coding change: c.1219C>T on transcript NM_000048.4 (MANE Select); coding-DNA position 1219, C replaced by T.
Protein change: p.Gln407Ter; replaces glutamine 407 with a stop codon.
Molecular consequence: nonsense.
Genome position (GRCh38, 1-based): chr7:66,092,632, C>T. VCF-style: chr7-66092632-C-T. GRCh37 (hg19) VCF-style: chr7-65557619-C-T.
Other names: c.1219C>T, p.Gln407Ter (NM_001024943.2); c.1159C>T, p.Gln387Ter (NM_001024944.2); c.1141C>T, p.Gln381Ter (NM_001024946.2); short protein forms Q387*, Q381*, Q407*.
Identifiers: ClinVar variation 1420014 (VCV001420014.6), dbSNP rs2115764913, ClinGen allele CA367651750.